The following is an entry in ClinVar:

NM_000138.5(FBN1):c.6936del (p.Ser2313fs)

Gene: FBN1 (fibrillin 1; minus strand). Cytogenetic location: 15q21.1.
Variant type: Deletion.
Coding change: c.6936del on transcript NM_000138.5 (MANE Select); coding-DNA position 6936, one base deleted (G; older notation c.6936delG).
Protein change: p.Ser2313fs; shifts the reading frame from serine 2313.
Molecular consequence: frameshift variant.
Genome position (GRCh38, 1-based): chr15:48,428,407, C deleted on the plus strand (G on the coding strand, the reverse complement: FBN1 is on the minus strand); the first of 3 consecutive C bases (chr15:48,428,407-48,428,409); deleting any one gives the same sequence. VCF-style (leftmost placement, unchanged base first): chr15-48428406-TC-T. GRCh37 (hg19) VCF-style: chr15-48720603-TC-T.
Other names: c.6936del, p.Ser2313fs (NM_001406716.1); c.6936delG (NM_000138.4); short protein forms S2313fs.
Identifiers: ClinVar variation 3033095 (VCV003033095.2), dbSNP rs2505415185, ClinGen allele CA2740096567.

ClinVar aggregate classification (germline): Pathogenic (0 of 4 stars; one submission).

Conditions:
FBN1-related disorder. Also called: FBN1-related disorders.

Submission:

PreventionGenetics, part of Exact Sciences
Classification: Pathogenic for FBN1-related condition. Last evaluated: 2023-10-18. Review status: no assertion criteria provided. Collection method: clinical testing. Allele origin: germline.
Comment: The FBN1 c.6936delG variant is predicted to result in a frameshift and premature protein termination (p.Ser2313Alafs*85). To our knowledge, this variant has not been reported in the literature or in a large population database, indicating it is rare. Frameshift variants in FBN1, including examples immediately up and downstream of this position, have been well documented to be disease causing (Human Gene Mutation Database). This variant is interpreted as pathogenic.